The following is an entry in ClinVar:

ClinVar aggregate classification (germline): Likely pathogenic. Review status: criteria provided, multiple submitters, no conflicts (2 of 4 stars). 2 submissions from 2 submitters: Likely pathogenic (2). Last evaluated 2025-12-15.

Conditions:
Hao-Fountain syndrome (HAFOUS). Identifiers: Orphanet 643549, MedGen C5393908, MONDO:0014805.
Hao-Fountain syndrome due to USP7 mutation. Also called: USP7-Related Hao Fountain Syndrome. Identifiers: Orphanet 643538, MedGen C5816734, MONDO:0958071, OMIM 616863.

Submissions (2):

Dasa
Classification: Likely pathogenic for Hao-Fountain syndrome. Last evaluated: 2025-12-15. Review status: criteria provided, single submitter. Criteria: DASA Assertion Criteria. Collection method: clinical testing. Allele origin: germline.
Comment: NM_003470.3(USP7):c.2234_2235del (p.Arg745Asnfs*5) is a frameshift variant in USP7 predicted to alter the reading frame and introduce a premature termination codon and is predicted to result in an absent or altered protein product. Loss of function is an established disease mechanism for USP7 (PMID: 30679821; PMID: 36466803; PMID: 33012787). Also, this variant is absent from population databases. Based on the currently available evidence, this variant is classified as likely pathogenic.

Laboratorio de Genetica e Diagnostico Molecular, Hospital Israelita Albert Einstein
Classification: Likely pathogenic for Hao-Fountain syndrome due to USP7 mutation. Last evaluated: 2023-10-10. Review status: criteria provided, single submitter. Criteria: ACMG Guidelines, 2015. Collection method: clinical testing. Allele origin: germline. Affected: yes.
Comment: ACMG classification criteria: PVS1 very strong, PM2 moderate

Literature cited by the submitters: PubMed 30679821 (cited by Dasa); PubMed 36466803 (cited by Dasa); PubMed 33012787 (cited by Dasa).

NM_003470.3(USP7):c.2234_2235del (p.Arg745fs)

Gene: USP7 (ubiquitin specific peptidase 7; minus strand). Cytogenetic location: 16p13.2.
Variant type: Microsatellite.
Coding change: c.2234_2235del on transcript NM_003470.3 (MANE Select); coding-DNA positions 2234 to 2235, 2 bases deleted (GA; older notation c.2234_2235delGA).
Protein change: p.Arg745fs; shifts the reading frame from arginine 745.
Molecular consequence: frameshift variant. On other transcripts: non-coding transcript variant (1).
Genome position (GRCh38, 1-based): chr16:8,900,604-8,900,605, TC deleted on the plus strand (GA on the coding strand, the reverse complement: USP7 is on the minus strand); deleting any 2 consecutive bases within chr16:8,900,604-8,900,610 gives the same sequence; the c. name uses the placement nearest the transcript's 3' end. VCF-style (leftmost placement, unchanged base first): chr16-8900603-TTC-T. GRCh37 (hg19) VCF-style: chr16-8994460-TTC-T.
Other names: c.2186_2187del, p.Arg729fs (NM_001286457.2); c.1937_1938del, p.Arg646fs (NM_001286458.2); c.2060_2061del, p.Arg687fs (NM_001321858.2); short protein forms R646fs, R687fs, R729fs, R745fs.
Identifiers: ClinVar variation 4076295 (VCV004076295.3).